The following is an entry in ClinVar:

ClinVar aggregate classification (germline): Uncertain significance. Review status: criteria provided, multiple submitters, no conflicts (2 of 4 stars). 2 submissions from 2 submitters: Uncertain significance (2). Last evaluated 2024-10-21.

Conditions:
Menkes kinky-hair syndrome (MNK). Also called: Copper transport disease; Menkes Disease; Classic Menkes Disease. Identifiers: Orphanet 565, MedGen C0022716, MONDO:0010651, OMIM 309400.
Cutis laxa, X-linked (OHS). Also called: EDS IX; Occipital horn syndrome. Identifiers: Orphanet 198, MedGen C0268353, MONDO:0010572, OMIM 304150.
X-linked distal spinal muscular atrophy type 3. Also called: ATP7A-Related Distal Motor Neuropathy; SPINAL MUSCULAR ATROPHY, DISTAL, X-LINKED RECESSIVE; NEURONOPATHY, DISTAL HEREDITARY MOTOR, X-LINKED; NEUROPATHY, DISTAL HEREDITARY MOTOR, X-LINKED. Identifiers: Orphanet 139557, MedGen C1845359, MONDO:0010338, OMIM 300489.

Submissions (2):

Labcorp Genetics (formerly Invitae), Labcorp
Classification: Uncertain significance for X-linked distal spinal muscular atrophy type 3; Cutis laxa, X-linked; Menkes kinky-hair syndrome. Last evaluated: 2024-10-21. Review status: criteria provided, single submitter. Criteria: Invitae Variant Classification Sherloc (09022015). Collection method: clinical testing. Allele origin: germline.
Comment: This sequence change replaces isoleucine, which is neutral and non-polar, with threonine, which is neutral and polar, at codon 847 of the ATP7A protein (p.Ile847Thr). This variant is not present in population databases (gnomAD no frequency). This variant has not been reported in the literature in individuals affected with ATP7A-related conditions. ClinVar contains an entry for this variant (Variation ID: 1314143). Invitae Evidence Modeling of protein sequence and biophysical properties (such as structural, functional, and spatial information, amino acid conservation, physicochemical variation, residue mobility, and thermodynamic stability) indicates that this missense variant is not expected to disrupt ATP7A protein function with a negative predictive value of 95%. In summary, the available evidence is currently insufficient to determine the role of this variant in disease. Therefore, it has been classified as a Variant of Uncertain Significance.

GeneDx
Classification: Uncertain significance. Last evaluated: 2021-03-08. Review status: criteria provided, single submitter. Criteria: GeneDx Variant Classification Process June 2021. Collection method: clinical testing. Allele origin: germline. Affected: yes.
Comment: Not observed in large population cohorts (Lek et al., 2016); In silico analysis supports that this missense variant has a deleterious effect on protein structure/function; Has not been previously published as pathogenic or benign to our knowledge

NM_000052.7(ATP7A):c.2540T>C (p.Ile847Thr)

Gene: ATP7A (ATPase copper transporting alpha; plus strand). Cytogenetic location: Xq21.1.
Variant type: single nucleotide variant.
Coding change: c.2540T>C on transcript NM_000052.7 (MANE Select); coding-DNA position 2540, T replaced by C.
Protein change: p.Ile847Thr; replaces isoleucine 847 with threonine.
Molecular consequence: missense variant.
Genome position (GRCh38, 1-based): chrX:78,015,795, T>C. VCF-style: chrX-78015795-T-C. GRCh37 (hg19) VCF-style: chrX-77271292-T-C.
Other names: c.2306T>C, p.Ile769Thr (NM_001282224.2); short protein forms I769T, I847T.
Identifiers: ClinVar variation 1314143 (VCV001314143.4), dbSNP rs2149097365, ClinGen allele CA413600929.